The following is an entry in ClinVar:

NM_001270.4(CHD1):c.3798T>G (p.Tyr1266Ter)

Gene: CHD1 (chromodomain helicase DNA binding protein 1; minus strand). Cytogenetic location: 5q15.
Variant type: single nucleotide variant.
Coding change: c.3798T>G on transcript NM_001270.4 (MANE Select); coding-DNA position 3798, T replaced by G.
Protein change: p.Tyr1266Ter; replaces tyrosine 1266 with a stop codon.
Molecular consequence: nonsense. On other transcripts: non-coding transcript variant (2).
Genome position (GRCh38, 1-based): chr5:98,872,114, A>C on the plus strand (T>G on the coding strand, the complement: CHD1 is on the minus strand). VCF-style: chr5-98872114-A-C. GRCh37 (hg19) VCF-style: chr5-98207818-A-C.
Other names: c.3798T>G, p.Tyr1266Ter (NM_001364113.3, NM_001376194.2); short protein forms Y1266*.
Identifiers: ClinVar variation 1703283 (VCV001703283.2), dbSNP rs749298448, ClinGen allele CA360522915.

ClinVar aggregate classification (germline): Uncertain significance (1 of 4 stars; one submission).

Submission:

GeneDx
Classification: Uncertain significance. Last evaluated: 2022-02-20. Review status: criteria provided, single submitter. Criteria: GeneDx Variant Classification Process June 2021. Collection method: clinical testing. Allele origin: germline. Affected: yes.
Comment: Not observed at significant frequency in large population cohorts (gnomAD); Nonsense variant predicted to result in protein truncation or nonsense mediated decay in a gene for which loss-of-function is not a known mechanism of disease; Has not been previously published as pathogenic or benign to our knowledge